The following is an entry in ClinVar:

ClinVar aggregate classification (germline): Uncertain significance (1 of 4 stars; one submission).

Allele frequency attached by ClinVar (database versions not stated): gnomAD exomes 0.00001; TOPMed 0.00002; gnomAD 0.00003.

Submission:

Labcorp Genetics (formerly Invitae), Labcorp
Classification: Uncertain significance. Last evaluated: 2022-07-24. Review status: criteria provided, single submitter. Criteria: Invitae Variant Classification Sherloc (09022015). Collection method: clinical testing. Allele origin: germline.
Comment: In summary, the available evidence is currently insufficient to determine the role of this variant in disease. Therefore, it has been classified as a Variant of Uncertain Significance. Algorithms developed to predict the effect of missense changes on protein structure and function output the following: SIFT: "Deleterious"; PolyPhen-2: "Benign"; Align-GVGD: "Class C0". The threonine amino acid residue is found in multiple mammalian species, which suggests that this missense change does not adversely affect protein function. This variant has not been reported in the literature in individuals affected with IARS-related conditions. This variant is present in population databases (no rsID available, gnomAD 0.007%). This sequence change replaces isoleucine, which is neutral and non-polar, with threonine, which is neutral and polar, at codon 871 of the IARS protein (p.Ile871Thr).

NM_002161.6(IARS1):c.2612T>C (p.Ile871Thr)

Gene: IARS1 (isoleucyl-tRNA synthetase 1; minus strand). Cytogenetic location: 9q22.31.
Variant type: single nucleotide variant.
Coding change: c.2612T>C on transcript NM_002161.6 (MANE Select); coding-DNA position 2612, T replaced by C.
Protein change: p.Ile871Thr; replaces isoleucine 871 with threonine.
Molecular consequence: missense variant. On other transcripts: non-coding transcript variant (1).
Genome position (GRCh38, 1-based): chr9:92,249,862, A>G on the plus strand (T>C on the coding strand, the complement: IARS1 is on the minus strand). VCF-style: chr9-92249862-A-G. GRCh37 (hg19) VCF-style: chr9-95012144-A-G.
Other names: c.2537T>C, p.Ile846Thr (NM_001374299.1, NM_001374300.1, NM_001378584.1); c.2528T>C, p.Ile843Thr (NM_001374301.1); c.2675T>C, p.Ile892Thr (NM_001378569.1); c.2633T>C, p.Ile878Thr (NM_001378571.1); c.2612T>C, p.Ile871Thr (NM_001378572.1, NM_001378573.1, NM_001378574.1 and 9 more transcripts); c.2516T>C, p.Ile839Thr (NM_001378582.1); c.2489T>C, p.Ile830Thr (NM_001378583.1); short protein forms I830T, I871T, I878T, I839T, I846T, I892T, I843T.
Identifiers: ClinVar variation 1912278 (VCV001912278.5), dbSNP rs1344307656, ClinGen allele CA373812092.